The following is an entry in ClinVar:

NM_001122681.2(SH3BP2):c.506C>T (p.Thr169Met)

Gene: SH3BP2 (SH3 domain binding protein 2; plus strand). Cytogenetic location: 4p16.3.
Variant type: single nucleotide variant.
Coding change: c.506C>T on transcript NM_001122681.2 (MANE Select); coding-DNA position 506, C replaced by T.
Protein change: p.Thr169Met; replaces threonine 169 with methionine.
Molecular consequence: missense variant.
Genome position (GRCh38, 1-based): chr4:2,827,307, C>T. VCF-style: chr4-2827307-C-T. GRCh37 (hg19) VCF-style: chr4-2829034-C-T.
Other names: c.590C>T, p.Thr197Met (NM_001145855.2); c.677C>T, p.Thr226Met (NM_001145856.2); c.506C>T, p.Thr169Met (NM_003023.4); short protein forms T169M, T197M, T226M.
Identifiers: ClinVar variation 1018085 (VCV001018085.11), dbSNP rs201786792, ClinGen allele CA2819194.
Genomic context (GRCh38, chr4:2,827,307, plus strand): 5'-CAGACAGCTTCTACGGCGCAGTTGAGCGGCCTGTGGATATCAGCCTTTCCCCGTACCCCA[C>T]GGACAATGAAGGTGAGGTCTTTCTCCGCATCCACTGCCCGTTTGCCTCTCCCCACCTGGC-3'
Protein context (NP_001116153.1, residues 159-179): PVDISLSPYP[Thr169Met]DNEDYEHDDE

ClinVar aggregate classification (germline): Uncertain significance. Review status: criteria provided, multiple submitters, no conflicts (2 of 4 stars). 3 submissions from 3 submitters: Uncertain significance (3). Last evaluated 2026-01-27.

Conditions:
SH3BP2-related disorder. Also called: SH3BP2-related condition.
Inborn genetic diseases. Identifiers: MedGen C0950123, MeSH D030342.
Fibrous dysplasia of jaw (CRBM). Also called: Cherubism. Identifiers: Orphanet 184, MedGen C0008029, MONDO:0007315, OMIM 118400.

Allele frequency attached by ClinVar (database versions not stated): gnomAD exomes 0.00002 and 0.00010; ExAC 0.00012; TOPMed 0.00012; 1000 Genomes Project 30x 0.00031; 1000 Genomes Project 0.00040.

Submissions (3):

Labcorp Genetics (formerly Invitae), Labcorp
Classification: Uncertain significance for Fibrous dysplasia of jaw. Last evaluated: 2026-01-27. Review status: criteria provided, single submitter. Criteria: Invitae Variant Classification Sherloc (09022015). Collection method: clinical testing. Allele origin: germline.
Comment: This sequence change replaces threonine, which is neutral and polar, with methionine, which is neutral and non-polar, at codon 169 of the SH3BP2 protein (p.Thr169Met). This variant is present in population databases (rs201786792, gnomAD 0.03%), and has an allele count higher than expected for a pathogenic variant. This variant has not been reported in the literature in individuals affected with SH3BP2-related conditions. ClinVar contains an entry for this variant (Variation ID: 1018085). Invitae Evidence Modeling of protein sequence and biophysical properties (such as structural, functional, and spatial information, amino acid conservation, physicochemical variation, residue mobility, and thermodynamic stability) indicates that this missense variant is not expected to disrupt SH3BP2 protein function with a negative predictive value of 80%. In summary, the available evidence is currently insufficient to determine the role of this variant in disease. Therefore, it has been classified as a Variant of Uncertain Significance.

Ambry Genetics
Classification: Uncertain significance for Inborn genetic diseases. Last evaluated: 2025-05-05. Review status: criteria provided, single submitter. Criteria: Ambry Variant Classification Scheme 2023. Collection method: clinical testing. Allele origin: germline.

PreventionGenetics, part of Exact Sciences
Classification: Uncertain significance for SH3BP2-related condition. Last evaluated: 2023-05-05. Review status: criteria provided, single submitter. Criteria: ACMG Guidelines, 2015. Collection method: clinical testing. Allele origin: germline.
Comment: The SH3BP2 c.506C>T variant is predicted to result in the amino acid substitution p.Thr169Met. To our knowledge, this variant has not been reported in the literature. This variant is reported in 0.043% of alleles in individuals of Latino descent in gnomAD. At this time, the clinical significance of this variant is uncertain due to the absence of conclusive functional and genetic evidence.